The following is an entry in ClinVar:

ClinVar aggregate classification (germline): Conflicting classifications of pathogenicity. Review status: criteria provided, conflicting classifications (1 of 4 stars). 2 submissions from 2 submitters: Uncertain significance (1); Likely benign (1). Last evaluated 2025-07-15.

Conditions:
BBS2-related disorder. Also called: BBS2-related condition; BBS2-related disorders. Identifiers: MedGen CN239228.
Bardet-Biedl syndrome (BBS). Identifiers: Orphanet 110, MedGen C0752166, MONDO:0015229.

Allele frequency attached by ClinVar (database versions not stated): TOPMed below 0.00001; gnomAD 0.00001; gnomAD exomes below 0.00001.
gnomAD v4.1: 3 of 1,614,036 alleles (0.00019%); highest among the groups gnomAD compares: Non-Finnish European, 0.00025%; no homozygotes.

Submissions (2):

PreventionGenetics, part of Exact Sciences
Classification: Uncertain significance for BBS2-related condition. Last evaluated: 2025-07-15. Review status: criteria provided, single submitter. Criteria: ACMG Guidelines, 2015. Collection method: clinical testing. Allele origin: germline.
Comment: The BBS2 c.1233C>T variant is not predicted to result in an amino acid change (p.=). This variant is predicted to impact splicing based on available splicing prediction programs (SpliceAI, Jaganathan et al. 2019. PubMed ID: 30661751). To our knowledge, this variant has not been reported in the literature. This variant is reported in 0.0065% of alleles in individuals of European (non-Finnish) descent in gnomAD. At this time, the clinical significance of this variant is uncertain due to the absence of conclusive functional and genetic evidence.

Labcorp Genetics (formerly Invitae), Labcorp
Classification: Likely benign for Bardet-Biedl syndrome. Last evaluated: 2023-04-02. Review status: criteria provided, single submitter. Criteria: Invitae Variant Classification Sherloc (09022015). Collection method: clinical testing. Allele origin: germline.

NM_031885.5(BBS2):c.1233C>T (p.Ile411=)

Gene: BBS2 (Bardet-Biedl syndrome 2; minus strand). Cytogenetic location: 16q13.
Variant type: single nucleotide variant.
Coding change: c.1233C>T on transcript NM_031885.5 (MANE Select); coding-DNA position 1233, C replaced by T.
Protein change: p.Ile411=; no amino-acid change (isoleucine 411 retained).
Molecular consequence: synonymous variant. On other transcripts: non-coding transcript variant (2).
Genome position (GRCh38, 1-based): chr16:56,501,018, G>A on the plus strand (C>T on the coding strand, the complement: BBS2 is on the minus strand). VCF-style: chr16-56501018-G-A. GRCh37 (hg19) VCF-style: chr16-56534930-G-A.
Other names: c.1233C>T (NM_031885.3); c.1233C>T, p.Ile411= (NM_001377456.1).
Identifiers: ClinVar variation 1104145 (VCV001104145.12), dbSNP rs1179390065, ClinGen allele CA495586998.
Genomic context (GRCh38, chr16:56,501,018, plus strand): 5'-ATGTACCACGTGGCTTTCACCTGTAAAAATTCCTTCTGCAAAAATCAATACTGCTCGGAT[G>A]ATGGTGTCTGCAGGGAAGAGTAAAAACAGTTTAAGAACAACTCCAACTTTGGGAAGCTGA-3'
Protein context (NP_114091.4, residues 401-421): ELRISTSNDT[Ile411=]IRAVLIFAEG